The following is an entry in ClinVar:

ClinVar aggregate classification (germline): Uncertain significance (1 of 4 stars; one submission).

Submission:

Labcorp Genetics (formerly Invitae), Labcorp
Classification: Uncertain significance. Last evaluated: 2021-07-09. Review status: criteria provided, single submitter. Criteria: Invitae Variant Classification Sherloc (09022015). Collection method: clinical testing. Allele origin: germline.
Comment: In summary, the available evidence is currently insufficient to determine the role of this variant in disease. Therefore, it has been classified as a Variant of Uncertain Significance. This sequence change falls in intron 9 of the RASGRP1 gene. It does not directly change the encoded amino acid sequence of the RASGRP1 protein. It affects a nucleotide within the consensus splice site of the intron. This variant is not present in population databases (ExAC no frequency). This variant has not been reported in the literature in individuals affected with RASGRP1-related conditions. Nucleotide substitutions within the consensus splice site are a relatively common cause of aberrant splicing (PMID: 17576681, 9536098). Algorithms developed to predict the effect of sequence changes on RNA splicing suggest that this variant may disrupt the consensus splice site.

Literature cited by the submitters: PubMed 17576681; PubMed 9536098.

NM_005739.4(RASGRP1):c.1243-3C>T

Gene: RASGRP1 (RAS guanyl releasing protein 1; minus strand). Cytogenetic location: 15q14.
Variant type: single nucleotide variant.
Coding change: c.1243-3C>T on transcript NM_005739.4 (MANE Select); 3 bases into the intron before coding-DNA position 1243, C replaced by T.
Molecular consequence: intron variant.
Genome position (GRCh38, 1-based): chr15:38,505,923, G>A on the plus strand (C>T on the coding strand, the complement: RASGRP1 is on the minus strand). VCF-style: chr15-38505923-G-A. GRCh37 (hg19) VCF-style: chr15-38798124-G-A.
Other names: c.1243-3C>T (NM_001306086.2, NM_001128602.2).
Identifiers: ClinVar variation 1366574 (VCV001366574.6), dbSNP rs2141099892, ClinGen allele CA2573150676.